The following is an entry in ClinVar:

NM_007294.4(BRCA1):c.3918G>T (p.Leu1306Phe)

Genes: BRCA1 (BRCA1 DNA repair associated; minus strand), LOC126862571 (BRD4-independent group 4 enhancer GRCh37_chr17:41243136-41244335; plus strand). Cytogenetic location: 17q21.31.
Variant type: single nucleotide variant.
Coding change: c.3918G>T on transcript NM_007294.4 (MANE Select); coding-DNA position 3918, G replaced by T.
Protein change: p.Leu1306Phe; replaces leucine 1306 with phenylalanine.
Molecular consequence: missense variant. On other transcripts: intron variant (135).
Genome position (GRCh38, 1-based): chr17:43,091,613, C>A on the plus strand (G>T on the coding strand, the complement: BRCA1 is on the minus strand). VCF-style: chr17-43091613-C-A. GRCh37 (hg19) VCF-style: chr17-41243630-C-A.
Other names: c.3774G>T, p.Leu1258Phe (NM_001407838.1, NM_001407839.1, NM_001407841.1 and 20 more transcripts); c.3777G>T, p.Leu1259Phe (NM_001407850.1, NM_001407851.1, NM_001407692.1 and 29 more transcripts); c.3705G>T, p.Leu1235Phe (NM_001407571.1, NM_001407853.1, NM_001407894.1 and 9 more transcripts); c.3918G>T, p.Leu1306Phe (NM_001407581.1, NM_001407582.1, NM_001407583.1 and 30 more transcripts); c.3915G>T, p.Leu1305Phe (NM_001407587.1, NM_001407590.1, NM_001407591.1 and 22 more transcripts); c.3909G>T, p.Leu1303Phe (NM_001407646.1, NM_001407647.1); c.3795G>T, p.Leu1265Phe (NM_001407648.1, NM_001407664.1, NM_001407665.1 and 19 more transcripts); c.3792G>T, p.Leu1264Phe (NM_001407649.1, NM_001407670.1, NM_001407671.1 and 11 more transcripts); and 41 more; short protein forms L1259F, L1306F, L1010F, L1179F, L1194F, L1236F, L1258F, L438F.
Identifiers: ClinVar variation 1285144 (VCV001285144.6), dbSNP rs786202068, ClinGen allele CA10594125.

ClinVar aggregate classification (germline): Likely benign. Review status: criteria provided, single submitter (1 of 4 stars). 3 submissions from 3 submitters: Likely benign (1). 2 of the submissions do not count toward it. Last evaluated 2023-03-23.

Conditions:
Hereditary cancer-predisposing syndrome. Also called: Tumor predisposition; Hereditary neoplastic syndrome; Neoplastic Syndromes, Hereditary; Hereditary Cancer Syndrome. Identifiers: Orphanet 140162, MedGen C0027672, MeSH D009386, MONDO:0015356.

Allele frequency attached by ClinVar (database versions not stated): gnomAD exomes below 0.00001 and 0.00001.
gnomAD v4.1: 3 of 1,614,206 alleles (0.00019%); highest among the groups gnomAD compares: Non-Finnish European, 0.00025%; no homozygotes.

Submissions (3):

University of Washington Department of Laboratory Medicine, University of Washington
Classification: Likely benign for Hereditary cancer-predisposing syndrome. Last evaluated: 2023-03-23. Review status: criteria provided, single submitter. Criteria: Dines et al. (Genet Med. 2020). Collection method: curation. Allele origin: germline.
Comment: Missense variant in a coldspot region where missense variants are very unlikely to be pathogenic (PMID:31911673).

BRCA1 coldspot (exon 11 using historical exon numbering). Reclassification based on statistical prior probability

Genome Diagnostics Laboratory, University Medical Center Utrecht
Classification: Likely benign. Review status: no assertion criteria provided. Collection method: clinical testing. Allele origin: germline. Affected: yes. Study: VKGL Data-share Consensus. Not counted in ClinVar's aggregate classification.

Joint Genome Diagnostic Labs from Nijmegen and Maastricht, Radboudumc and MUMC+
Classification: Likely benign. Review status: no assertion criteria provided. Collection method: clinical testing. Allele origin: germline. Affected: yes. Study: VKGL Data-share Consensus. Not counted in ClinVar's aggregate classification.